The following is an entry in ClinVar:

ClinVar aggregate classification (germline): Uncertain significance (1 of 4 stars; one submission).

Submission:

Labcorp Genetics (formerly Invitae), Labcorp
Classification: Uncertain significance. Last evaluated: 2024-03-29. Review status: criteria provided, single submitter. Criteria: Invitae Variant Classification Sherloc (09022015). Collection method: clinical testing. Allele origin: germline.
Comment: This sequence change replaces leucine, which is neutral and non-polar, with valine, which is neutral and non-polar, at codon 1081 of the JAK2 protein (p.Leu1081Val). This variant is not present in population databases (gnomAD no frequency). This variant has not been reported in the literature in individuals affected with JAK2-related conditions. Advanced modeling of protein sequence and biophysical properties (such as structural, functional, and spatial information, amino acid conservation, physicochemical variation, residue mobility, and thermodynamic stability) performed at Invitae indicates that this missense variant is not expected to disrupt JAK2 protein function with a negative predictive value of 80%. In summary, the available evidence is currently insufficient to determine the role of this variant in disease. Therefore, it has been classified as a Variant of Uncertain Significance.

NM_004972.4(JAK2):c.3241C>G (p.Leu1081Val)

Genes: INSL6 (insulin like 6; minus strand), JAK2 (Janus kinase 2; plus strand). Cytogenetic location: 9p24.1.
Variant type: single nucleotide variant.
Coding change: c.3241C>G on transcript NM_004972.4 (MANE Select); coding-DNA position 3241, C replaced by G.
Protein change: p.Leu1081Val; replaces leucine 1081 with valine.
Molecular consequence: missense variant. On other transcripts: non-coding transcript variant (2).
Genome position (GRCh38, 1-based): chr9:5,126,396, C>G. VCF-style: chr9-5126396-C-G. GRCh37 (hg19) VCF-style: chr9-5126396-C-G.
Other names: c.3241C>G, p.Leu1081Val (NM_001322194.2, NM_001322195.2, NM_001322196.2); c.2026C>G, p.Leu676Val (NM_001322198.2, NM_001322199.2); c.2794C>G, p.Leu932Val (NM_001322204.2); short protein forms L1081V, L932V, L676V.
Identifiers: ClinVar variation 3685268 (VCV003685268.2).